The following is an entry in ClinVar:

ClinVar aggregate classification (germline): Uncertain significance (1 of 4 stars; one submission).

Conditions:
Charcot-Marie-Tooth disease axonal type 2P. Also called: CHARCOT-MARIE-TOOTH NEUROPATHY, TYPE 2P; CHARCOT-MARIE-TOOTH DISEASE, AXONAL, TYPE 2G; CMT 2G; Charcot-Marie-Tooth Neuropathy Type 2G. Identifiers: Orphanet 300319, Orphanet 99941, MedGen C3280797, MONDO:0013753, OMIM 614436.

Allele frequency attached by ClinVar (database versions not stated): gnomAD 0.00002; gnomAD exomes 0.00002; ExAC 0.00005; 1000 Genomes Project 30x 0.00016; 1000 Genomes Project 0.00020.
gnomAD v4.1: 29 of 1,612,352 alleles (0.0018%); highest among the groups gnomAD compares: South Asian, 0.031%; no homozygotes.

Submission:

Labcorp Genetics (formerly Invitae), Labcorp
Classification: Uncertain significance for Charcot-Marie-Tooth disease axonal type 2P. Last evaluated: 2024-02-23. Review status: criteria provided, single submitter. Criteria: Invitae Variant Classification Sherloc (09022015). Collection method: clinical testing. Allele origin: germline.
Comment: This sequence change falls in intron 19 of the LRSAM1 gene. It does not directly change the encoded amino acid sequence of the LRSAM1 protein. It affects a nucleotide within the consensus splice site. This variant is present in population databases (rs527739103, gnomAD 0.05%). This variant has not been reported in the literature in individuals affected with LRSAM1-related conditions. ClinVar contains an entry for this variant (Variation ID: 2085216). Variants that disrupt the consensus splice site are a relatively common cause of aberrant splicing (PMID: 17576681, 9536098). Algorithms developed to predict the effect of sequence changes on RNA splicing suggest that this variant is not likely to affect RNA splicing. In summary, the available evidence is currently insufficient to determine the role of this variant in disease. Therefore, it has been classified as a Variant of Uncertain Significance.

Literature cited by the submitters: PubMed 17576681; PubMed 9536098.

NM_001005373.4(LRSAM1):c.1503+4T>C

Gene: LRSAM1 (leucine rich repeat and sterile alpha motif containing 1; plus strand). Cytogenetic location: 9q33.3.
Variant type: single nucleotide variant.
Coding change: c.1503+4T>C on transcript NM_001005373.4 (MANE Select); 4 bases into the intron after coding-DNA position 1503, T replaced by C.
Molecular consequence: intron variant.
Genome position (GRCh38, 1-based): chr9:127,491,299, T>C. VCF-style: chr9-127491299-T-C. GRCh37 (hg19) VCF-style: chr9-130253578-T-C.
Other names: c.1503+4T>C (NM_138361.5, NM_001384142.1, NM_001384143.1 and 1 more transcripts); c.1423-1503T>C (NM_001190723.3); c.714+4T>C (NM_001384144.1).
Identifiers: ClinVar variation 2085216 (VCV002085216.4), dbSNP rs527739103, ClinGen allele CA5247009.
Genomic context (GRCh38, chr9:127,491,299, plus strand): 5'-TTGCAGCTGACACAGCTGGAGTTAAAGAGGAAGTCCCTGGACACAGAGTCACTCCAGGTA[T>C]GTAGGGCTCCCTGCCCCTGCCCTCCTTCACGTGGTGAGACCCCCACCTGGTGCTCCCTCC-3'